The following is an entry in ClinVar:

ClinVar aggregate classification (germline): Pathogenic (1 of 4 stars; one submission).

Submission:

Labcorp Genetics (formerly Invitae), Labcorp
Classification: Pathogenic. Last evaluated: 2023-05-09. Review status: criteria provided, single submitter. Criteria: Invitae Variant Classification Sherloc (09022015). Collection method: clinical testing. Allele origin: germline.
Comment: This premature translational stop signal has been observed in individual(s) with Bartter syndrome (PMID: 21865213). This variant is present in population databases (no rsID available, gnomAD 0.006%). This sequence change creates a premature translational stop signal (p.Ser229Phefs*53) in the CLCNKB gene. It is expected to result in an absent or disrupted protein product. Loss-of-function variants in CLCNKB are known to be pathogenic (PMID: 24830959, 26920127, 28381550, 29254190). For these reasons, this variant has been classified as Pathogenic.

Literature cited by the submitters: PubMed 21865213; PubMed 24830959; PubMed 26920127; PubMed 28381550; PubMed 29254190.

NM_000085.5(CLCNKB):c.685dup (p.Ser229fs)

Genes: CLCNKB (chloride voltage-gated channel Kb; plus strand), LOC106501713 (CLCNKB recombination region; plus strand). Cytogenetic location: 1p36.13.
Variant type: Duplication.
Coding change: c.685dup on transcript NM_000085.5 (MANE Select); coding-DNA position 685, one base duplicated (T; older notation c.685dupT).
Protein change: p.Ser229fs; shifts the reading frame from serine 229.
Molecular consequence: frameshift variant.
Genome position (GRCh38, 1-based): chr1:16,049,149, T duplicated; the last of 2 consecutive T bases (chr1:16,049,148-16,049,149); duplicating either gives the same sequence. VCF-style (leftmost placement, unchanged base first): chr1-16049147-C-CT. GRCh37 (hg19) VCF-style: chr1-16375642-C-CT.
Other names: c.178dup, p.Ser60fs (NM_001165945.2); short protein forms S60fs, S229fs.
Identifiers: ClinVar variation 2733831 (VCV002733831.3), dbSNP rs1463217225, ClinGen allele CA521297418.